The following is an entry in ClinVar:

NM_004817.4(TJP2):c.2716G>A (p.Ala906Thr)

Gene: TJP2 (tight junction protein 2; plus strand). Cytogenetic location: 9q21.11.
Variant type: single nucleotide variant.
Coding change: c.2716G>A on transcript NM_004817.4 (MANE Select); coding-DNA position 2716, G replaced by A.
Protein change: p.Ala906Thr; replaces alanine 906 with threonine.
Molecular consequence: missense variant. On other transcripts: intron variant (1).
Genome position (GRCh38, 1-based): chr9:69,248,060, G>A. VCF-style: chr9-69248060-G-A. GRCh37 (hg19) VCF-style: chr9-71862976-G-A.
Other names: c.2716G>A (NM_004817.3); c.2647G>A, p.Ala883Thr (NM_001170414.2, NM_001369871.1); c.2728G>A, p.Ala910Thr (NM_001170415.1, NM_001369874.1, NM_001369875.1); c.2809G>A, p.Ala937Thr (NM_001170416.2); c.2641G>A, p.Ala881Thr (NM_001369870.1); c.2716G>A, p.Ala906Thr (NM_001369872.1, NM_201629.3); c.2667+1270G>A (NM_001369873.1); short protein forms A881T, A937T, A906T, A883T, A910T.
Identifiers: ClinVar variation 1352099 (VCV001352099.7), dbSNP rs894332443, ClinGen allele CA193382412.

ClinVar aggregate classification (germline): Uncertain significance. Review status: criteria provided, multiple submitters, no conflicts (2 of 4 stars). 2 submissions from 2 submitters: Uncertain significance (2). Last evaluated 2025-03-20.

gnomAD v4.1: 2 of 1,613,892 alleles (0.00012%); highest among the groups gnomAD compares: East Asian, 0.0022%; no homozygotes.

Submissions (2):

GeneDx
Classification: Uncertain significance. Last evaluated: 2025-03-20. Review status: criteria provided, single submitter. Criteria: GeneDx Variant Classification Process June 2021. Collection method: clinical testing. Allele origin: germline. Affected: yes.
Comment: Not observed at significant frequency in large population cohorts (gnomAD); In silico analysis supports that this missense variant has a deleterious effect on protein structure/function; Has not been previously published as pathogenic or benign to our knowledge

Labcorp Genetics (formerly Invitae), Labcorp
Classification: Uncertain significance. Last evaluated: 2021-10-22. Review status: criteria provided, single submitter. Criteria: Invitae Variant Classification Sherloc (09022015). Collection method: clinical testing. Allele origin: germline.
Comment: This sequence change replaces alanine with threonine at codon 906 of the TJP2 protein (p.Ala906Thr). The alanine residue is moderately conserved and there is a small physicochemical difference between alanine and threonine. This variant is not present in population databases (ExAC no frequency). This variant has not been reported in the literature in individuals affected with TJP2-related conditions. Algorithms developed to predict the effect of missense changes on protein structure and function are either unavailable or do not agree on the potential impact of this missense change (SIFT: "Tolerated"; PolyPhen-2: "Probably Damaging"; Align-GVGD: "Class C0"). In summary, the available evidence is currently insufficient to determine the role of this variant in disease. Therefore, it has been classified as a Variant of Uncertain Significance.